The following is an entry in ClinVar:

NM_000429.3(MAT1A):c.575A>G (p.Asn192Ser)

Gene: MAT1A (methionine adenosyltransferase 1A; minus strand). Cytogenetic location: 10q22.3.
Variant type: single nucleotide variant.
Coding change: c.575A>G on transcript NM_000429.3 (MANE Select); coding-DNA position 575, A replaced by G.
Protein change: p.Asn192Ser; replaces asparagine 192 with serine.
Molecular consequence: missense variant.
Genome position (GRCh38, 1-based): chr10:80,276,569, T>C on the plus strand (A>G on the coding strand, the complement: MAT1A is on the minus strand). VCF-style: chr10-80276569-T-C. GRCh37 (hg19) VCF-style: chr10-82036325-T-C.
Other names: short protein forms N192S.
Identifiers: ClinVar variation 2016267 (VCV002016267.4), dbSNP rs2492489760, ClinGen allele CA377362288.

ClinVar aggregate classification (germline): Uncertain significance (1 of 4 stars; one submission).

Conditions:
Hepatic methionine adenosyltransferase deficiency. Also called: MAT I/III DEFICIENCY; Methionine adenosyltransferase deficiency; Isolated Persistent Hypermethioninemia; Deficiency of methionine adenosyltransferase. Identifiers: Orphanet 168598, MedGen C0268621, MeSH C564683, MONDO:0009607, OMIM 250850.

Submission:

Labcorp Genetics (formerly Invitae), Labcorp
Classification: Uncertain significance for Hepatic methionine adenosyltransferase deficiency. Last evaluated: 2022-07-12. Review status: criteria provided, single submitter. Criteria: Invitae Variant Classification Sherloc (09022015). Collection method: clinical testing. Allele origin: germline.
Comment: In summary, the available evidence is currently insufficient to determine the role of this variant in disease. Therefore, it has been classified as a Variant of Uncertain Significance. Algorithms developed to predict the effect of missense changes on protein structure and function output the following: SIFT: "Tolerated"; PolyPhen-2: "Benign"; Align-GVGD: "Class C0". The serine amino acid residue is found in multiple mammalian species, which suggests that this missense change does not adversely affect protein function. This variant has not been reported in the literature in individuals affected with MAT1A-related conditions. This variant is not present in population databases (gnomAD no frequency). This sequence change replaces asparagine, which is neutral and polar, with serine, which is neutral and polar, at codon 192 of the MAT1A protein (p.Asn192Ser).